The following is an entry in ClinVar:

ClinVar aggregate classification (germline): Uncertain significance (1 of 4 stars; one submission).

Conditions:
Aneurysm-osteoarthritis syndrome. Also called: LOEYS-DIETZ SYNDROME WITH OSTEOARTHRITIS; SMAD3-Related Loeys-Dietz Syndrome; ANEURYSMS-OSTEOARTHRITIS SYNDROME; Loeys-Dietz syndrome, type 1C. Identifiers: Orphanet 284984, MedGen C3151087, MONDO:0013426, OMIM 613795.

Submission:

All of Us Research Program, National Institutes of Health
Classification: Uncertain significance for Aneurysm-osteoarthritis syndrome. Last evaluated: 2024-07-29. Review status: criteria provided, single submitter. Criteria: ACMG Guidelines, 2015. Collection method: clinical testing. Allele origin: germline. Inheritance: Autosomal dominant inheritance. Observed: 1 variant allele, 1 heterozygote.
Comment: This missense variant replaces aspartic acid with asparagine at codon 154 of the SMAD3 protein. Computational prediction tools indicate that this variant has a neutral impact on protein structure and function. To our knowledge, functional studies have not been reported for this variant. This variant has not been reported in individuals affected with SMAD3-related disorders in the literature. This variant has not been identified in the general population by the Genome Aggregation Database (gnomAD). The available evidence is insufficient to determine the role of this variant in disease conclusively. Therefore, this variant is classified as a Variant of Uncertain Significance.

This study involves interpretation of variants in research participants for the purpose of population health screening. Participant phenotype was not available at the time of variant classification. Additional details can be found in publication PMID: 35346344, PMCID: PMC8962531

NM_005902.4(SMAD3):c.460G>A (p.Asp154Asn)

Gene: SMAD3 (SMAD family member 3; plus strand). Cytogenetic location: 15q22.33.
Variant type: single nucleotide variant.
Coding change: c.460G>A on transcript NM_005902.4 (MANE Select); coding-DNA position 460, G replaced by A.
Protein change: p.Asp154Asn; replaces aspartic acid 154 with asparagine.
Molecular consequence: missense variant. On other transcripts: intron variant (2).
Genome position (GRCh38, 1-based): chr15:67,165,312, G>A. VCF-style: chr15-67165312-G-A. GRCh37 (hg19) VCF-style: chr15-67457650-G-A.
Other names: c.460G>A, p.Asp154Asn (NM_001407011.1, NM_001407013.1); c.313G>A, p.Asp105Asn (NM_001407014.1); c.145G>A, p.Asp49Asn (NM_001407016.1, NM_001145102.2); c.400+224G>A (NM_001407012.1); c.85+224G>A (NM_001407015.1); c.328G>A, p.Asp110Asn (NM_001145103.2); short protein forms D105N, D110N, D154N, D49N.
Identifiers: ClinVar variation 3386010 (VCV003386010.1).
Genomic context (GRCh38, chr15:67,165,312, plus strand): 5'-GTTCTACCTCCTGTGTTGGTGCCACGCCACACAGAGATCCCGGCCGAGTTCCCCCCACTG[G>A]ACGACTACAGCCATTCCATCCCCGAAAACACTAACTTCCCCGCAGGCATCGAGCCCCAGA-3'
Protein context (NP_005893.1, residues 144-164): TEIPAEFPPL[Asp154Asn]DYSHSIPENT